The following is an entry in ClinVar:

ClinVar aggregate classification (germline): Conflicting classifications of pathogenicity. Review status: criteria provided, conflicting classifications (1 of 4 stars). 13 submissions from 13 submitters: Pathogenic (1); Likely pathogenic (5); Uncertain significance (6); Likely benign (1). Last evaluated 2026-09-17.

Conditions:
CEP164-related disorder. Also called: CEP164-related condition.
Ciliopathy. Also called: Ciliopathies. Identifiers: Orphanet 363250, MedGen C4277690, MONDO:0005308, MeSH D000072661.
Retinal dystrophy. Also called: Inherited retinal dystrophy. Identifiers: Orphanet 71862, MedGen C0854723, MeSH D058499, MONDO:0019118, HP:0000556.
Nephronophthisis 15 (NPHP15). Identifiers: Orphanet 3156, MedGen C3541853, MONDO:0013917, OMIM 614845.

Allele frequency attached by ClinVar (database versions not stated): 1000 Genomes Project 0.00040; 1000 Genomes Project 30x 0.00047; ExAC 0.00078; gnomAD exomes 0.00081 and 0.00204; gnomAD 0.00106 and 0.00111; TOPMed 0.00110; ESP Exome Variant Server 0.00162.
gnomAD v4.1: 3,109 of 1,614,176 alleles (0.19%); highest among the groups gnomAD compares: Non-Finnish European, 0.25%; 2 homozygotes.

Submissions (13):

PreventionGenetics, part of Exact Sciences
Classification: Uncertain significance for CEP164-related condition. Last evaluated: 2026-09-17. Review status: criteria provided, single submitter. Criteria: ACMG Guidelines, 2015. Collection method: clinical testing. Allele origin: germline.
Comment: The CEP164 c.4228C>T variant is predicted to result in premature protein termination (p.Gln1410*). This variant has been reported in the compound heterozygous state in at least two individuals with CEP164-related disorders (see for example: Wheway et al. 2021. PubMed ID: 34556108; Devlin et al. 2022. PubMed ID: 36273371). This variant is reported in 0.14% of alleles in individuals of European (non-Finnish) descent in gnomAD, which is a significantly higher frequency than other documented pathogenic variants in this gene. Nonsense variants in CEP164 are expected to be pathogenic; however, this variant is located in the penultimate exon, and no other early termination changes have been reported as causative downstream. This variant has conflicting classifications listed in ClinVar ranging from uncertain to likely pathogenic (ClinVar Variation ID: 281163). Although we suspect this variant could be pathogenic, its significance remains uncertain at this time due to insufficient functional and genetic evidence.

Women's Health and Genetics/Laboratory Corporation of America, LabCorp
Classification: Likely pathogenic for Nephronophthisis 15. Last evaluated: 2025-12-29. Review status: criteria provided, single submitter. Criteria: LabCorp Variant Classification Summary - May 2015. Collection method: clinical testing. Allele origin: germline.
Comment: Variant summary: CEP164 c.4228C>T (p.Gln1410X) results in a premature termination codon, predicted to cause a truncation of the encoded protein or absence of the protein due to nonsense mediated decay, which are commonly known mechanisms for disease. The variant allele was found at a frequency of 0.00081 in 250978 control chromosomes. This frequency is not significantly higher than estimated for disease-causing variants in CEP164, allowing no conclusion about variant significance. c.4228C>T has been observed in individual(s) affected with Nephronophthisis 15 (Diderich_2021) and Primary Ciliary Dyskinesia (Shoemark_2022). These data indicate that the variant is likely to be associated with disease. To our knowledge, no experimental evidence demonstrating an impact on protein function has been reported. The following publications have been ascertained in the context of this evaluation (PMID: 33249554, 35728977). ClinVar contains an entry for this variant (Variation ID: 281163). Based on the evidence outlined above, the variant was classified as likely pathogenic.

Variantyx, Inc.
Classification: Pathogenic for Nephronophthisis 15. Last evaluated: 2025-11-19. Review status: criteria provided, single submitter. Criteria: Variantyx Assertion Criteria 2022. Collection method: clinical testing. Allele origin: germline. Inheritance: Autosomal recessive inheritance. Affected: no.
Comment: This is a nonsense variant in the CEP164 gene (OMIM: 614848). Pathogenic variants in this gene have been associated with autosomal recessive nephronophthisis 15. This variant introduces a premature termination codon in exon 32 out of 33 and is expected to result in loss of function, which is a known disease mechanism for CEP164 in this disorder (PMID: 22863007) (PVS1). This variant has been identified in the homozygous or compound heterozygous state in multiple unrelated affected individuals reported in the published literature (PMID: 34556108, 36273371, 35728977, 33249554) (PM3). This variant has a 0.2487% maximum allele frequency in non-founder control populations (PM2). Based on the current evidence, this variant is classified as pathogenic for autosomal recessive nephronophthisis 15.

Dasa
Classification: Likely pathogenic for ciliopathy. Last evaluated: 2025-11-11. Review status: criteria provided, single submitter. Criteria: DASA Assertion Criteria. Collection method: clinical testing. Allele origin: germline.
Comment: NM_014956.5(CEP164):c.4228C>T (p.Gln1410*) is a nonsense variant in CEP164 predicted to introduce a premature termination codon and is predicted to result in an absent or altered protein product. Loss of function is an established disease mechanism for CEP164-associated disorders. This variant has been recurrently observed in individuals with CEP164-related disorders (PMID: 36273371; PMID: 34556108). Also, this variant is rare in population databases. Based on the currently available evidence, this variant is classified as likely pathogenic.

GeneDx
Classification: Likely pathogenic. Last evaluated: 2025-06-24. Review status: criteria provided, single submitter. Criteria: GeneDx Variant Classification Process June 2021. Collection method: clinical testing. Allele origin: germline. Affected: yes.
Comment: Nonsense variant predicted to result in protein truncation or nonsense mediated decay in a gene for which loss of function is a known mechanism of disease; Identified with a nonsense variant on the opposite allele (in trans) in a patient with non-cystic fibrosis related bronchiectasis, hearing aids, recurrent ear infections, rhinitis, BMI of 28, and mild learning disabilities; this patient also harbored variants in other potentially causative genes (PMID: 36273371); Observed with a frameshift variant in trans in a fetus with features suggestive of a ciliopathy disorder in published literature (PMID: 33249554); Observed heterozygous in a patient with cone dystrophy in published literature who had a different genetic etiology for the phenotype (PMID: 29343940); Reported previously as a candidate for pancreatic cancer susceptibility, however, clinical history and familial segregation information were not included (PMID: 26546047); This variant is associated with the following publications: (PMID: 33111339, 22863007, 34556108, 35728977, 31345219, 29343940, 26546047, 36273371, 33249554)

Blueprint Genetics
Classification: Likely benign. Last evaluated: 2024-11-05. Review status: criteria provided, single submitter. Criteria: ACMG Guidelines, 2015. Collection method: clinical testing. Allele origin: germline.

Fulgent Genetics
Classification: Likely pathogenic for Nephronophthisis 15. Last evaluated: 2024-06-03. Review status: criteria provided, single submitter. Criteria: ACMG Guidelines, 2015. Collection method: clinical testing. Allele origin: germline.

Labcorp Genetics (formerly Invitae), Labcorp
Classification: Uncertain significance for Nephronophthisis 15. Last evaluated: 2022-10-28. Review status: criteria provided, single submitter. Criteria: Invitae Variant Classification Sherloc (09022015). Collection method: clinical testing. Allele origin: germline.
Comment: This sequence change creates a premature translational stop signal (p.Gln1410*) in the CEP164 gene. However, it is currently unclear if variants that occur in this region of the gene cause disease. This variant is present in population databases (rs147398904, gnomAD 0.1%), and has an allele count higher than expected for a pathogenic variant. This variant has not been reported in the literature in individuals affected with CEP164-related conditions. ClinVar contains an entry for this variant (Variation ID: 281163). Algorithms developed to predict the effect of sequence changes on RNA splicing suggest that this variant may disrupt the consensus splice site. In summary, the available evidence is currently insufficient to determine the role of this variant in disease. Therefore, it has been classified as a Variant of Uncertain Significance.

Baylor Genetics
Classification: Uncertain significance for Nephronophthisis 15. Last evaluated: 2022-06-12. Review status: criteria provided, single submitter. Criteria: ACMG Guidelines, 2015. Collection method: clinical testing. Allele origin: unknown.

Department of Pathology and Laboratory Medicine, Sinai Health System
Classification: Likely pathogenic for Nephronophthisis 15. Last evaluated: 2022-06-09. Review status: criteria provided, single submitter. Criteria: ACMG Guidelines, 2015. Collection method: research. Allele origin: germline.

Mendelics
Classification: Uncertain significance. Last evaluated: 2022-05-04. Review status: criteria provided, single submitter. Criteria: Mendelics Assertion Criteria 2019. Collection method: clinical testing. Allele origin: germline.

Institute of Human Genetics, Univ. Regensburg, Univ. Regensburg
Classification: Uncertain significance for Retinal dystrophy. Last evaluated: 2022-01-01. Review status: criteria provided, single submitter. Criteria: ACMG Guidelines, 2015. Collection method: clinical testing. Allele origin: germline. Affected: yes.

Eurofins Ntd Llc (ga)
Classification: Uncertain significance. Last evaluated: 2015-08-07. Review status: criteria provided, single submitter. Criteria: EGL Classification Definitions 2015. Collection method: clinical testing. Allele origin: germline. Observed: 7 variant alleles, 7 heterozygotes.

Literature cited by the submitters: PubMed 33249554 (cited by Women's Health and Genetics/Laboratory Corporation of America, LabCorp and Variantyx, Inc.); PubMed 35728977 (cited by 3 submitters); PubMed 22863007 (cited by Variantyx, Inc.); PubMed 34556108 (cited by 3 submitters); PubMed 36273371 (cited by Variantyx, Inc. and Dasa); PubMed 26546047 (cited by Institute of Human Genetics, Univ. Regensburg, Univ. Regensburg); PubMed 31345219 (cited by Institute of Human Genetics, Univ. Regensburg, Univ. Regensburg); PubMed 33111339 (cited by Institute of Human Genetics, Univ. Regensburg, Univ. Regensburg).

NM_014956.5(CEP164):c.4228C>T (p.Gln1410Ter)

Gene: CEP164 (centrosomal protein 164; plus strand). Cytogenetic location: 11q23.3.
Variant type: single nucleotide variant.
Coding change: c.4228C>T on transcript NM_014956.5 (MANE Select); coding-DNA position 4228, C replaced by T.
Protein change: p.Gln1410Ter; replaces glutamine 1410 with a stop codon.
Molecular consequence: nonsense.
Genome position (GRCh38, 1-based): chr11:117,411,859, C>T. VCF-style: chr11-117411859-C-T. GRCh37 (hg19) VCF-style: chr11-117282575-C-T.
Other names: c.4213C>T, p.Gln1405Ter (NM_001271933.2); short protein forms Q1410*, Q1405*.
Identifiers: ClinVar variation 281163 (VCV000281163.33), dbSNP rs147398904, ClinGen allele CA6295761.